The following is an entry in ClinVar:

NM_001033855.3(DCLRE1C):c.1545A>G (p.Gly515=)

Gene: DCLRE1C (DNA cross-link repair 1C; minus strand). Cytogenetic location: 10p13.
Variant type: single nucleotide variant.
Coding change: c.1545A>G on transcript NM_001033855.3 (MANE Select); coding-DNA position 1545, A replaced by G.
Protein change: p.Gly515=; no amino-acid change (glycine 515 retained).
Molecular consequence: synonymous variant. On other transcripts: non-coding transcript variant (4).
Genome position (GRCh38, 1-based): chr10:14,908,942, T>C on the plus strand (A>G on the coding strand, the complement: DCLRE1C is on the minus strand). VCF-style: chr10-14908942-T-C. GRCh37 (hg19) VCF-style: chr10-14950941-T-C.
Other names: c.1185A>G, p.Gly395= (NM_001033857.3, NM_001033858.3, NM_001289077.2 and 2 more transcripts); c.1200A>G, p.Gly400= (NM_001289076.2, NM_001289078.2, NM_001350966.2 and 1 more transcripts); c.1545A>G, p.Gly515= (NM_001350965.2).
Identifiers: ClinVar variation 299313 (VCV000299313.19), dbSNP rs41300672, ClinGen allele CA5416458.

ClinVar aggregate classification (germline): Benign/Likely benign. Review status: criteria provided, multiple submitters, no conflicts (2 of 4 stars). 5 submissions from 5 submitters: Benign (1); Likely benign (2). 2 of the submissions do not count toward it. Last evaluated 2026-01-26.

Conditions:
DCLRE1C-related disorder. Also called: DCLRE1C-related condition.
Histiocytic medullary reticulosis. Also called: SEVERE COMBINED IMMUNODEFICIENCY WITH HYPEREOSINOPHILIA; Omenn syndrome. Identifiers: Orphanet 39041, MedGen C2700553, MONDO:0011338, OMIM 603554.
Severe combined immunodeficiency due to DCLRE1C deficiency (RS-SCID). Also called: SCID, AUTOSOMAL RECESSIVE, T CELL-NEGATIVE, B CELL-NEGATIVE, NK CELL-POSITIVE, WITH SENSITIVITY TO IONIZING RADIATION. Identifiers: Orphanet 275, MedGen C1865371, MONDO:0011225, OMIM 602450.

Allele frequency attached by ClinVar (database versions not stated): gnomAD exomes 0.00017 and 0.00100; gnomAD 0.00023 and 0.00017; 1000 Genomes Project 30x 0.00094; ExAC 0.00213; TOPMed 0.00034.
gnomAD v4.1: 284 of 1,613,690 alleles (0.018%); highest among the groups gnomAD compares: East Asian, 0.56%; 2 homozygotes.

Submissions (5):

Labcorp Genetics (formerly Invitae), Labcorp
Classification: Benign for Athabaskan severe combined immunodeficiency. Last evaluated: 2026-01-26. Review status: criteria provided, single submitter. Criteria: Invitae Variant Classification Sherloc (09022015). Collection method: clinical testing. Allele origin: germline.

Blueprint Genetics
Classification: Likely benign. Last evaluated: 2024-08-26. Review status: criteria provided, single submitter. Criteria: ACMG Guidelines, 2015. Collection method: clinical testing. Allele origin: germline.

Illumina Laboratory Services, Illumina
Classification: Likely benign for Histiocytic medullary reticulosis. Last evaluated: 2018-01-13. Review status: criteria provided, single submitter. Criteria: ICSL Variant Classification Criteria 13 December 2019. Collection method: clinical testing. Allele origin: germline.
Comment: This variant was observed in the ICSL laboratory as part of a predisposition screen in an ostensibly healthy population. It had not been previously curated by ICSL or reported in the Human Gene Mutation Database (HGMD: prior to June 1st, 2018), and was therefore a candidate for classification through an automated scoring system. Utilizing variant allele frequency, disease prevalence and penetrance estimates, and inheritance mode, an automated score was calculated to assess if this variant is too frequent to cause the disease. Based on the score and internal cut-off values, a variant classified as likely benign is not then subjected to further curation. The score for this variant resulted in a classification of likely benign for this disease.

Natera, Inc.
Classification: Uncertain significance for Omenn syndrome. Last evaluated: 2020-04-11. Review status: no assertion criteria provided. Collection method: clinical testing. Allele origin: germline. Not counted in ClinVar's aggregate classification.

PreventionGenetics, part of Exact Sciences
Classification: Benign for DCLRE1C-related condition. Last evaluated: 2019-10-28. Review status: no assertion criteria provided. Collection method: clinical testing. Allele origin: germline. Not counted in ClinVar's aggregate classification.
Comment: This variant is classified as benign based on ACMG/AMP sequence variant interpretation guidelines (Richards et al. 2015 PMID: 25741868, with internal and published modifications).